The following is an entry in ClinVar:

NM_007186.6(CEP250):c.3605A>T (p.Glu1202Val)

Gene: CEP250 (centrosomal protein 250; plus strand). Cytogenetic location: 20q11.22.
Variant type: single nucleotide variant.
Coding change: c.3605A>T on transcript NM_007186.6 (MANE Select); coding-DNA position 3605, A replaced by T.
Protein change: p.Glu1202Val; replaces glutamic acid 1202 with valine.
Molecular consequence: missense variant.
Genome position (GRCh38, 1-based): chr20:35,498,017, A>T. VCF-style: chr20-35498017-A-T. GRCh37 (hg19) VCF-style: chr20-34085846-A-T.
Other names: c.1709A>T, p.Glu570Val (NM_001318219.1); short protein forms E1202V, E570V.
Identifiers: ClinVar variation 2652284 (VCV002652284.25), dbSNP rs143997480, ClinGen allele CA9833503.

ClinVar aggregate classification (germline): Likely benign. Review status: criteria provided, multiple submitters, no conflicts (2 of 4 stars). 2 submissions from 2 submitters: Likely benign (2). Last evaluated 2024-12-01.

Allele frequency attached by ClinVar (database versions not stated): TOPMed 0.00046; 1000 Genomes Project 30x 0.00047; 1000 Genomes Project 0.00060; gnomAD exomes 0.00115; gnomAD 0.00143; ExAC 0.00151.

Submissions (2):

CeGaT Center for Human Genetics Tuebingen
Classification: Likely benign. Last evaluated: 2024-12-01. Review status: criteria provided, single submitter. Criteria: CeGaT Center For Human Genetics Tuebingen Variant Classification Criteria Version 2. Collection method: clinical testing. Allele origin: germline. Affected: yes. Observed: 3 variant alleles.
Comment: CEP250: BP4, BS2

Blueprint Genetics
Classification: Likely benign. Last evaluated: 2024-11-19. Review status: criteria provided, single submitter. Criteria: ACMG Guidelines, 2015. Collection method: clinical testing. Allele origin: germline.